The following is an entry in ClinVar:

ClinVar aggregate classification (germline): Benign. Review status: criteria provided, multiple submitters, no conflicts (2 of 4 stars). 5 submissions from 5 submitters: Benign (4). 1 of the submissions does not count toward it. Last evaluated 2024-11-28.

Conditions:
Intellectual developmental disorder 62. Also called: MENTAL RETARDATION, AUTOSOMAL DOMINANT 62; INTELLECTUAL DEVELOPMENTAL DISORDER, AUTOSOMAL DOMINANT 62. Identifiers: MedGen C5394083, MONDO:0032919, OMIM 618793.
DLG4-related disorder. Also called: DLG4-related condition.

Allele frequency attached by ClinVar (database versions not stated): 1000 Genomes Project 30x 0.24375; 1000 Genomes Project 0.24601; TOPMed 0.26428; ESP Exome Variant Server 0.26612; gnomAD 0.28048 and 0.28275; ExAC 0.28202; gnomAD exomes 0.28304 and 0.30756.
gnomAD v4.1: 491,725 of 1,613,368 alleles (30%); highest among the groups gnomAD compares: Non-Finnish European, 32%; 77,375 homozygotes.

Submissions (5):

Blueprint Genetics
Classification: Benign. Last evaluated: 2024-11-28. Review status: criteria provided, single submitter. Criteria: ACMG Guidelines, 2015. Collection method: clinical testing. Allele origin: germline.

Genome-Nilou Lab
Classification: Benign for Intellectual developmental disorder 62. Last evaluated: 2021-07-30. Review status: criteria provided, single submitter. Criteria: ACMG Guidelines, 2015. Collection method: clinical testing. Allele origin: germline. Affected: no.

GeneDx
Classification: Benign. Last evaluated: 2018-07-03. Review status: criteria provided, single submitter. Criteria: GeneDx Variant Classification Process June 2021. Collection method: clinical testing. Allele origin: germline. Affected: yes.

Breakthrough Genomics
Classification: Benign. Review status: criteria provided, single submitter. Criteria: ACMG Guidelines, 2015. Collection method: not provided. Allele origin: germline. Inheritance: Autosomal dominant inheritance. Affected: yes.

PreventionGenetics, part of Exact Sciences
Classification: Benign for DLG4-related condition. Last evaluated: 2019-09-24. Review status: no assertion criteria provided. Collection method: clinical testing. Allele origin: germline. Not counted in ClinVar's aggregate classification.
Comment: This variant is classified as benign based on ACMG/AMP sequence variant interpretation guidelines (Richards et al. 2015 PMID: 25741868, with internal and published modifications).

NM_001321075.3(DLG4):c.1167C>T (p.Ile389=)

Genes: DLG4 (discs large MAGUK scaffold protein 4; minus strand), LOC126862479 (MED14-independent group 3 enhancer GRCh37_chr17:7099412-7100611; plus strand). Cytogenetic location: 17p13.1.
Variant type: single nucleotide variant.
Coding change: c.1167C>T on transcript NM_001321075.3 (MANE Select); coding-DNA position 1167, C replaced by T.
Protein change: p.Ile389=; no amino-acid change (isoleucine 389 retained).
Molecular consequence: synonymous variant. On other transcripts: non-coding transcript variant (1).
Genome position (GRCh38, 1-based): chr17:7,196,492, G>A on the plus strand (C>T on the coding strand, the complement: DLG4 is on the minus strand). VCF-style: chr17-7196492-G-A. GRCh37 (hg19) VCF-style: chr17-7099811-G-A.
Other names: c.1158C>T, p.Ile386= (NM_001128827.4); c.1287C>T, p.Ile429= (NM_001321074.1); c.987C>T, p.Ile329= (NM_001321076.3, NM_001321077.3); c.1296C>T, p.Ile432= (NM_001365.5); c.1086C>T, p.Ile362= (NM_001369566.3).
Identifiers: ClinVar variation 1255506 (VCV001255506.8), dbSNP rs17203281, ClinGen allele CA8337020.